The following is an entry in ClinVar:

NM_014516.4(CNOT3):c.1685C>T (p.Thr562Met)

Gene: CNOT3 (CCR4-NOT transcription complex subunit 3; plus strand). Cytogenetic location: 19q13.42.
Variant type: single nucleotide variant.
Coding change: c.1685C>T on transcript NM_014516.4 (MANE Select); coding-DNA position 1685, C replaced by T.
Protein change: p.Thr562Met; replaces threonine 562 with methionine.
Molecular consequence: missense variant.
Genome position (GRCh38, 1-based): chr19:54,152,305, C>T. VCF-style: chr19-54152305-C-T. GRCh37 (hg19) VCF-style: chr19-54656042-C-T.
Other names: short protein forms T562M.
Identifiers: ClinVar variation 2635744 (VCV002635744.1), dbSNP rs372788451, ClinGen allele CA309340522.

ClinVar aggregate classification (germline): Uncertain significance (1 of 4 stars; one submission).

Conditions:
CNOT3-related disorder. Also called: CNOT3-related condition.

Allele frequency attached by ClinVar (database versions not stated): ExAC 0.00002; gnomAD exomes 0.00003; TOPMed 0.00005; gnomAD 0.00007; ESP Exome Variant Server 0.00008.

Submission:

PreventionGenetics, part of Exact Sciences
Classification: Uncertain significance for CNOT3-related condition. Last evaluated: 2023-05-27. Review status: criteria provided, single submitter. Criteria: ACMG Guidelines, 2015. Collection method: clinical testing. Allele origin: germline.
Comment: The CNOT3 c.1685C>T variant is predicted to result in the amino acid substitution p.Thr562Met. To our knowledge, this variant has not been reported in the literature. This variant is reported in 0.0040% of alleles in individuals of African descent in gnomAD. At this time, the clinical significance of this variant is uncertain due to the absence of conclusive functional and genetic evidence.